The following is an entry in ClinVar:

ClinVar aggregate classification (germline): Uncertain significance (1 of 4 stars; one submission).

Submission:

GeneDx
Classification: Uncertain significance. Last evaluated: 2026-02-14. Review status: criteria provided, single submitter. Criteria: GeneDx Variant Classification Process June 2021. Collection method: clinical testing. Allele origin: germline.
Comment: Not observed at significant frequency in large population cohorts (gnomAD); In silico analysis supports that this missense variant has a deleterious effect on protein structure/function; Has not been previously published as pathogenic or benign to our knowledge

NM_001083619.3(GRIA2):c.1445A>G (p.Asn482Ser)

Gene: GRIA2 (glutamate ionotropic receptor AMPA type subunit 2; plus strand). Cytogenetic location: 4q32.1.
Variant type: single nucleotide variant.
Coding change: c.1445A>G on transcript NM_001083619.3 (MANE Select); coding-DNA position 1445, A replaced by G.
Protein change: p.Asn482Ser; replaces asparagine 482 with serine.
Molecular consequence: missense variant.
Genome position (GRCh38, 1-based): chr4:157,335,849, A>G. VCF-style: chr4-157335849-A-G. GRCh37 (hg19) VCF-style: chr4-158257001-A-G.
Other names: c.1445A>G, p.Asn482Ser (NM_000826.6); c.1304A>G, p.Asn435Ser (NM_001083620.3, NM_001379000.3, NM_001379001.3); short protein forms N435S, N482S.
Identifiers: ClinVar variation 4975791 (VCV004975791.1).